The following is an entry in ClinVar:

ClinVar aggregate classification (germline): Likely benign. Review status: criteria provided, multiple submitters, no conflicts (2 of 4 stars). 4 submissions from 4 submitters: Likely benign (4). Last evaluated 2026-09-01.

Conditions:
Inborn genetic diseases. Identifiers: MedGen C0950123, MeSH D030342.

Allele frequency attached by ClinVar (database versions not stated): 1000 Genomes Project 0.00080; 1000 Genomes Project 30x 0.00094; ExAC 0.00099; gnomAD exomes 0.00108 and 0.00176; ESP Exome Variant Server 0.00115; gnomAD 0.00120 and 0.00123; TOPMed 0.00155.

Submissions (4):

CeGaT Center for Human Genetics Tuebingen
Classification: Likely benign. Last evaluated: 2026-09-01. Review status: criteria provided, single submitter. Criteria: CeGaT Center For Human Genetics Tuebingen Variant Classification Criteria Version 2. Collection method: clinical testing. Allele origin: germline. Affected: yes. Observed: 9 variant alleles.
Comment: SON: BP4, BS1

Labcorp Genetics (formerly Invitae), Labcorp
Classification: Likely benign. Last evaluated: 2026-01-18. Review status: criteria provided, single submitter. Criteria: Invitae Variant Classification Sherloc (09022015). Collection method: clinical testing. Allele origin: germline.

Blueprint Genetics
Classification: Likely benign. Last evaluated: 2024-11-27. Review status: criteria provided, single submitter. Criteria: ACMG Guidelines, 2015. Collection method: clinical testing. Allele origin: germline.

Ambry Genetics
Classification: Likely benign for Inborn genetic diseases. Last evaluated: 2023-02-21. Review status: criteria provided, single submitter. Criteria: Ambry Variant Classification Scheme 2023. Collection method: clinical testing. Allele origin: germline.

NM_138927.4(SON):c.978G>A (p.Met326Ile)

Gene: SON (SON DNA and RNA binding protein; plus strand). Cytogenetic location: 21q22.11.
Variant type: single nucleotide variant.
Coding change: c.978G>A on transcript NM_138927.4 (MANE Select); coding-DNA position 978, G replaced by A.
Protein change: p.Met326Ile; replaces methionine 326 with isoleucine.
Molecular consequence: missense variant. On other transcripts: non-coding transcript variant (1), intron variant (1).
Genome position (GRCh38, 1-based): chr21:33,550,209, G>A. VCF-style: chr21-33550209-G-A. GRCh37 (hg19) VCF-style: chr21-34922515-G-A.
Other names: c.978G>A, p.Met326Ile (NM_001291411.2, NM_032195.3); c.244+3830G>A (NM_001291412.3); c.978G>A (NM_138927.1); short protein forms M326I.
Identifiers: ClinVar variation 717745 (VCV000717745.37), dbSNP rs138817883, ClinGen allele CA10008784.